The following is an entry in ClinVar:

ClinVar aggregate classification (germline): Pathogenic. Review status: reviewed by expert panel (3 of 4 stars). 2 submissions from 2 submitters: Pathogenic (1). 1 of the submissions does not count toward it. Last evaluated 2020-10-29.

Conditions:
Phenylketonuria (PKU). Also called: Phenylketonuria (PKU); FOLLING DISEASE; OLIGOPHRENIA PHENYLPYRUVICA; Phenylketonurias. Identifiers: Orphanet 716, MedGen C0031485, MONDO:0009861, OMIM 261600. Disease mechanism: loss of function.

Submissions (2):

ClinGen PAH Variant Curation Expert Panel
Classification: Pathogenic for Phenylketonuria. Last evaluated: 2020-10-29. Review status: reviewed by expert panel. Criteria: ClinGen PAH ACMG Specifications v1. Collection method: curation. Allele origin: germline. Inheritance: Autosomal recessive inheritance.
Comment: This frameshift variant is predicted to undergo NMD, not located in last exon or last 50bp of preliminary exon. Coding exon number 11 out of 13 coding exons (11 out of total exons) (PVS1). This variant is absent from population databases (PM2). In summary, this variant meets criteria to be classified as pathogenic for PAH. PAH-specific ACMG/AMP criteria applied: PVS1, PM2, PP4.

DeBelle Laboratory for Biochemical Genetics, MUHC/MCH RESEARCH INSTITUTE
No classification provided. Review status: no classification provided. Collection method: not provided. Allele origin: not provided. Not counted in ClinVar's aggregate classification.

Literature cited by the submitters: PubMed 8069318 (cited by ClinGen PAH Variant Curation Expert Panel).

NM_000277.3(PAH):c.1117_1118del (p.Ala373fs)

Gene: PAH (phenylalanine hydroxylase; minus strand). Cytogenetic location: 12q23.2.
Variant type: Deletion.
Coding change: c.1117_1118del on transcript NM_000277.3 (MANE Select); coding-DNA positions 1117 to 1118, 2 bases deleted (GC; older notation c.1117_1118delGC).
Protein change: p.Ala373fs; shifts the reading frame from alanine 373.
Molecular consequence: frameshift variant.
Genome position (GRCh38, 1-based): chr12:102,843,727-102,843,728, GC deleted on the plus strand (GC on the coding strand, the reverse complement: PAH is on the minus strand). VCF-style (leftmost placement, unchanged base first): chr12-102843726-GGC-G. GRCh37 (hg19) VCF-style: chr12-103237504-GGC-G.
Other names: c.1117_1118del, p.Ala373fs (NM_001354304.2); short protein forms A373fs.
Identifiers: ClinVar variation 102530 (VCV000102530.2), dbSNP rs62516099, ClinGen allele CA229353.